The following is an entry in ClinVar:

ClinVar aggregate classification (germline): Uncertain significance (1 of 4 stars; one submission).

Submission:

Dasa
Classification: Uncertain significance. Last evaluated: 2025-01-08. Review status: criteria provided, single submitter. Criteria: DASA Assertion Criteria. Collection method: clinical testing. Allele origin: germline.
Comment: NM_018359.5(UFSP2):c.996+8A>G is a splice-region variant. This variant is absent from population databases. Computational prediction algorithms are consistent with a benign effect. The currently available literature and clinical evidence are not sufficient to establish a definitive association between this variant and the reported condition. Therefore, this variant is classified as a variant of uncertain significance.

NM_018359.5(UFSP2):c.996+8A>G

Gene: UFSP2 (UFM1 specific peptidase 2; minus strand). Cytogenetic location: 4q35.1.
Variant type: single nucleotide variant.
Coding change: c.996+8A>G on transcript NM_018359.5 (MANE Select); 8 bases into the intron after coding-DNA position 996, A replaced by G.
Molecular consequence: intron variant.
Genome position (GRCh38, 1-based): chr4:185,408,263, T>C on the plus strand (A>G on the coding strand, the complement: UFSP2 is on the minus strand). VCF-style: chr4-185408263-T-C. GRCh37 (hg19) VCF-style: chr4-186329417-T-C.
Identifiers: ClinVar variation 4880930 (VCV004880930.2).